The following is an entry in ClinVar:

ClinVar aggregate classification (germline): Likely benign (0 of 4 stars; one submission).

Conditions:
DAAM1-related disorder. Also called: DAAM1-related condition.

Allele frequency attached by ClinVar (database versions not stated): 1000 Genomes Project 0.00140; 1000 Genomes Project 30x 0.00156; ExAC 0.00198; gnomAD 0.00198; TOPMed 0.00200; gnomAD exomes 0.00323.
gnomAD v4.1: 4,984 of 1,610,594 alleles (0.31%); highest among the groups gnomAD compares: Middle Eastern, 0.4%; 14 homozygotes.

Submission:

PreventionGenetics, part of Exact Sciences
Classification: Likely benign for DAAM1-related condition. Last evaluated: 2019-11-21. Review status: no assertion criteria provided. Collection method: clinical testing. Allele origin: germline.
Comment: This variant is classified as likely benign based on ACMG/AMP sequence variant interpretation guidelines (Richards et al. 2015 PMID: 25741868, with internal and published modifications).

NM_001270520.2(DAAM1):c.2694+8T>C

Gene: DAAM1 (dishevelled associated activator of morphogenesis 1; plus strand). Cytogenetic location: 14q23.1.
Variant type: single nucleotide variant.
Coding change: c.2694+8T>C on transcript NM_001270520.2 (MANE Select); 8 bases into the intron after coding-DNA position 2694, T replaced by C.
Molecular consequence: intron variant.
Genome position (GRCh38, 1-based): chr14:59,360,870, T>C. VCF-style: chr14-59360870-T-C. GRCh37 (hg19) VCF-style: chr14-59827588-T-C.
Other names: c.2724+8T>C (NM_014992.2).
Identifiers: ClinVar variation 3049921 (VCV003049921.2), dbSNP rs181920728, ClinGen allele CA7207865.